The following is an entry in ClinVar:

ClinVar aggregate classification (germline): Conflicting classifications of pathogenicity. Review status: criteria provided, conflicting classifications (1 of 4 stars). 3 submissions from 3 submitters: Uncertain significance (1); Likely benign (2). Last evaluated 2026-01-11.

Conditions:
Cardiovascular phenotype. Identifiers: MedGen CN230736.
Hypercholesterolemia, autosomal dominant, type B (FHCL2). Also called: APOB-Related Familial Hypercholesterolemia, Autosomal Dominant; Familial Hypercholesterolemia Type B; APOLIPOPROTEIN B-100, FAMILIAL DEFECTIVE; APOLIPOPROTEIN B-100, FAMILIAL LIGAND-DEFECTIVE; Hyperlipoproteinemia Type IIb; Familial hypercholesterolemia 2. Identifiers: MedGen C1704417, MONDO:0007751, OMIM 144010.
Familial hypobetalipoproteinemia 1. Also called: APOB-Related Familial Hypobetalipoproteinemia; Hypobetalipoproteinemia, normotriglyceridemic; Acanthocytosis with hypobetalipoproteinemia. Identifiers: MedGen C4551990, MONDO:0014252, OMIM 615558.

Allele frequency attached by ClinVar (database versions not stated): gnomAD exomes 0.00001 and 0.00006; ExAC 0.00007; ESP Exome Variant Server 0.00023; TOPMed 0.00028; gnomAD 0.00032 and 0.00036.
gnomAD v4.1: 68 of 1,614,028 alleles (0.0042%); highest among the groups gnomAD compares: African/African-American, 0.08%; no homozygotes.

Submissions (3):

Labcorp Genetics (formerly Invitae), Labcorp
Classification: Likely benign for Familial hypobetalipoproteinemia 1; Hypercholesterolemia, autosomal dominant, type B. Last evaluated: 2026-01-11. Review status: criteria provided, single submitter. Criteria: Invitae Variant Classification Sherloc (09022015). Collection method: clinical testing. Allele origin: germline.

Ambry Genetics
Classification: Likely benign for Cardiovascular phenotype. Last evaluated: 2022-10-20. Review status: criteria provided, single submitter. Criteria: Ambry Variant Classification Scheme 2023. Collection method: clinical testing. Allele origin: germline.

GeneDx
Classification: Uncertain significance. Last evaluated: 2018-12-20. Review status: criteria provided, single submitter. Criteria: GeneDx Variant Classification (06012015). Collection method: clinical testing. Allele origin: germline. Affected: yes.
Comment: The V1396A variant has not been publishedas pathogenic or been reported as benign to our knowledge. This variant is a conservative amino acid substitution,which is not likely to impact secondary protein structure as these residues share similar properties. In addition, thissubstitution occurs at a position that is not conserved across species, and in silico analysis predicts this variant likelydoes not alter the protein structure/function. Finally, V1396A is reported in 8/10406 (0.08%) alleles from individualsof African ancestry in the ExAC dataset; no homozygous individuals have been reported (Lek et al., 2016; 1000Genomes Consortium et al., 2015; Exome Variant Server).

NM_000384.3(APOB):c.4187T>C (p.Val1396Ala)

Gene: APOB (apolipoprotein B; minus strand). Cytogenetic location: 2p24.1.
Variant type: single nucleotide variant.
Coding change: c.4187T>C on transcript NM_000384.3 (MANE Select); coding-DNA position 4187, T replaced by C.
Protein change: p.Val1396Ala; replaces valine 1396 with alanine.
Molecular consequence: missense variant.
Genome position (GRCh38, 1-based): chr2:21,013,189, A>G on the plus strand (T>C on the coding strand, the complement: APOB is on the minus strand). VCF-style: chr2-21013189-A-G. GRCh37 (hg19) VCF-style: chr2-21236061-A-G.
Other names: short protein forms V1396A.
Identifiers: ClinVar variation 432955 (VCV000432955.18), dbSNP rs144034290, ClinGen allele CA060645.